The following is an entry in ClinVar:

NM_001792.5(CDH2):c.1979A>T (p.Asp660Val)

Gene: CDH2 (cadherin 2; minus strand). Cytogenetic location: 18q12.1.
Variant type: single nucleotide variant.
Coding change: c.1979A>T on transcript NM_001792.5 (MANE Select); coding-DNA position 1979, A replaced by T.
Protein change: p.Asp660Val; replaces aspartic acid 660 with valine.
Molecular consequence: missense variant.
Genome position (GRCh38, 1-based): chr18:27,985,230, T>A on the plus strand (A>T on the coding strand, the complement: CDH2 is on the minus strand). VCF-style: chr18-27985230-T-A. GRCh37 (hg19) VCF-style: chr18-25565194-T-A.
Other names: c.1886A>T, p.Asp629Val (NM_001308176.2); short protein forms D629V, D660V.
Identifiers: ClinVar variation 4527530 (VCV004527530.1).

ClinVar aggregate classification (germline): Uncertain significance (1 of 4 stars; one submission).

Submission:

GeneDx
Classification: Uncertain significance. Last evaluated: 2025-04-22. Review status: criteria provided, single submitter. Criteria: GeneDx Variant Classification Process June 2021. Collection method: clinical testing. Allele origin: germline. Affected: yes.
Comment: Not observed at significant frequency in large population cohorts (gnomAD); In silico analysis supports that this missense variant has a deleterious effect on protein structure/function; Has not been previously published as pathogenic or benign to our knowledge